The following is an entry in ClinVar:

NM_006846.4(SPINK5):c.999T>G (p.Cys333Trp)

Gene: SPINK5 (serine peptidase inhibitor Kazal type 5; plus strand). Cytogenetic location: 5q32.
Variant type: single nucleotide variant.
Coding change: c.999T>G on transcript NM_006846.4 (MANE Select); coding-DNA position 999, T replaced by G.
Protein change: p.Cys333Trp; replaces cysteine 333 with tryptophan.
Molecular consequence: missense variant.
Genome position (GRCh38, 1-based): chr5:148,097,983, T>G. VCF-style: chr5-148097983-T-G. GRCh37 (hg19) VCF-style: chr5-147477546-T-G.
Other names: c.999T>G, p.Cys333Trp (NM_001127698.2, NM_001127699.2); short protein forms C333W.
Identifiers: ClinVar variation 1059871 (VCV001059871.10), dbSNP rs1253381247, ClinGen allele CA361635385.

ClinVar aggregate classification (germline): Uncertain significance. Review status: criteria provided, multiple submitters, no conflicts (2 of 4 stars). 2 submissions from 2 submitters: Uncertain significance (2). Last evaluated 2024-03-07.

Conditions:
Ichthyosis linearis circumflexa. Identifiers: MedGen C0265962, MONDO:0043106, HP:0025810.

gnomAD v4.1: 6 of 1,611,986 alleles (0.00037%); highest among the groups gnomAD compares: Non-Finnish European, 0.00051%; no homozygotes.

Submissions (2):

Labcorp Genetics (formerly Invitae), Labcorp
Classification: Uncertain significance for Ichthyosis linearis circumflexa. Last evaluated: 2024-03-07. Review status: criteria provided, single submitter. Criteria: Invitae Variant Classification Sherloc (09022015). Collection method: clinical testing. Allele origin: germline.
Comment: This sequence change replaces cysteine, which is neutral and slightly polar, with tryptophan, which is neutral and slightly polar, at codon 333 of the SPINK5 protein (p.Cys333Trp). This variant is present in population databases (no rsID available, gnomAD 0.002%). This variant has not been reported in the literature in individuals affected with SPINK5-related conditions. ClinVar contains an entry for this variant (Variation ID: 1059871). Advanced modeling of protein sequence and biophysical properties (such as structural, functional, and spatial information, amino acid conservation, physicochemical variation, residue mobility, and thermodynamic stability) has been performed at Invitae for this missense variant, however the output from this modeling did not meet the statistical confidence thresholds required to predict the impact of this variant on SPINK5 protein function. In summary, the available evidence is currently insufficient to determine the role of this variant in disease. Therefore, it has been classified as a Variant of Uncertain Significance.

Blueprint Genetics
Classification: Uncertain significance. Last evaluated: 2023-08-16. Review status: criteria provided, single submitter. Criteria: ACMG Guidelines, 2015. Collection method: clinical testing. Allele origin: germline.